The following is an entry in ClinVar:

NM_000059.4(BRCA2):c.6718C>A (p.Leu2240Met)

Gene: BRCA2 (BRCA2 DNA repair associated; plus strand). Cytogenetic location: 13q13.1.
Variant type: single nucleotide variant.
Coding change: c.6718C>A on transcript NM_000059.4 (MANE Select); coding-DNA position 6718, C replaced by A.
Protein change: p.Leu2240Met; replaces leucine 2240 with methionine.
Molecular consequence: missense variant. On other transcripts: non-coding transcript variant (1), intron variant (2).
Genome position (GRCh38, 1-based): chr13:32,341,073, C>A. VCF-style: chr13-32341073-C-A. GRCh37 (hg19) VCF-style: chr13-32915210-C-A.
Other names: c.6718C>A, p.Leu2240Met (NM_001406719.1, NM_001406720.1, NM_001432077.1); c.1910-3485C>A (NM_001406721.1); c.425-3485C>A (NM_001406722.1); short protein forms L2240M.
Identifiers: ClinVar variation 4756777 (VCV004756777.1).

ClinVar aggregate classification (germline): Uncertain significance (1 of 4 stars; one submission).

Conditions:
Hereditary cancer-predisposing syndrome. Also called: Tumor predisposition; Hereditary Cancer Syndrome; Neoplastic Syndromes, Hereditary; Hereditary neoplastic syndrome. Identifiers: Orphanet 140162, MedGen C0027672, MeSH D009386, MONDO:0015356.

Submission:

Color Diagnostics, LLC DBA Color Health
Classification: Uncertain significance for Hereditary cancer-predisposing syndrome. Last evaluated: 2025-06-03. Review status: criteria provided, single submitter. Criteria: ACMG Guidelines, 2015. Collection method: clinical testing. Allele origin: germline.
Comment: This missense variant replaces leucine with methionine at codon 2240 of the BRCA2 protein. Computational prediction suggests that this variant may not impact protein structure and function. To our knowledge, functional studies have not been reported for this variant. This variant has not been reported in individuals affected with BRCA2-related disorders in the literature. This variant has not been identified in the general population by the Genome Aggregation Database (gnomAD). The available evidence is insufficient to determine the role of this variant in disease conclusively. Therefore, this variant is classified as a Variant of Uncertain Significance.